The following is an entry in ClinVar:

NM_001379286.1(ZNF423):c.1217G>A (p.Arg406Gln)

Gene: ZNF423 (zinc finger protein 423; minus strand). Cytogenetic location: 16q12.1.
Variant type: single nucleotide variant.
Coding change: c.1217G>A on transcript NM_001379286.1 (MANE Select); coding-DNA position 1217, G replaced by A.
Protein change: p.Arg406Gln; replaces arginine 406 with glutamine.
Molecular consequence: missense variant.
Genome position (GRCh38, 1-based): chr16:49,637,959, C>T on the plus strand (G>A on the coding strand, the complement: ZNF423 is on the minus strand). VCF-style: chr16-49637959-C-T. GRCh37 (hg19) VCF-style: chr16-49671870-C-T.
Other names: c.1013G>A, p.Arg338Gln (NM_001271620.2); c.842G>A, p.Arg281Gln (NM_001330533.2); c.1193G>A, p.Arg398Gln (NM_015069.5); c.1193G>A (NM_015069.2); short protein forms R281Q, R338Q, R398Q, R406Q.
Identifiers: ClinVar variation 843622 (VCV000843622.13), dbSNP rs375001883, ClinGen allele CA8046727.

ClinVar aggregate classification (germline): Uncertain significance. Review status: criteria provided, multiple submitters, no conflicts (2 of 4 stars). 4 submissions from 4 submitters: Uncertain significance (4). Last evaluated 2025-03-06.

Conditions:
Nephronophthisis 14 (NPHP14). Identifiers: Orphanet 2318, MedGen C3539071, MONDO:0013916, OMIM 614844.

Allele frequency attached by ClinVar (database versions not stated): gnomAD exomes 0.00003 and 0.00006; TOPMed 0.00003; ExAC 0.00005; ESP Exome Variant Server 0.00008.
gnomAD v4.1: 95 of 1,614,020 alleles (0.0059%); highest among the groups gnomAD compares: Non-Finnish European, 0.0077%; no homozygotes.

Submissions (4):

Ambry Genetics
Classification: Uncertain significance. Last evaluated: 2025-03-06. Review status: criteria provided, single submitter. Criteria: Ambry Variant Classification Scheme 2023. Collection method: clinical testing. Allele origin: germline.

Labcorp Genetics (formerly Invitae), Labcorp
Classification: Uncertain significance for Nephronophthisis 14. Last evaluated: 2024-10-15. Review status: criteria provided, single submitter. Criteria: Invitae Variant Classification Sherloc (09022015). Collection method: clinical testing. Allele origin: germline.
Comment: This sequence change replaces arginine, which is basic and polar, with glutamine, which is neutral and polar, at codon 398 of the ZNF423 protein (p.Arg398Gln). This variant is present in population databases (rs375001883, gnomAD 0.008%). This variant has not been reported in the literature in individuals affected with ZNF423-related conditions. ClinVar contains an entry for this variant (Variation ID: 843622). Invitae Evidence Modeling of protein sequence and biophysical properties (such as structural, functional, and spatial information, amino acid conservation, physicochemical variation, residue mobility, and thermodynamic stability) indicates that this missense variant is not expected to disrupt ZNF423 protein function with a negative predictive value of 80%. In summary, the available evidence is currently insufficient to determine the role of this variant in disease. Therefore, it has been classified as a Variant of Uncertain Significance.

Blueprint Genetics
Classification: Uncertain significance. Last evaluated: 2024-09-07. Review status: criteria provided, single submitter. Criteria: ACMG Guidelines, 2015. Collection method: clinical testing. Allele origin: germline.

GeneDx
Classification: Uncertain significance. Last evaluated: 2023-04-10. Review status: criteria provided, single submitter. Criteria: GeneDx Variant Classification Process June 2021. Collection method: clinical testing. Allele origin: germline. Affected: yes.
Comment: In silico analysis supports that this missense variant does not alter protein structure/function; Has not been previously published as pathogenic or benign to our knowledge